The following is an entry in ClinVar:

ClinVar aggregate classification (germline): Pathogenic. Review status: criteria provided, multiple submitters, no conflicts (2 of 4 stars). 2 submissions from 2 submitters: Pathogenic (2). Last evaluated 2022-06-02.

Conditions:
Gorlin syndrome. Also called: Nevoid Basal Cell Carcinoma Syndrome; Basal cell nevus syndrome. Identifiers: Orphanet 377, MedGen C0004779, MONDO:0007187.
Hereditary cancer-predisposing syndrome. Also called: Hereditary Cancer Syndrome; Neoplastic Syndromes, Hereditary; Hereditary neoplastic syndrome; Tumor predisposition. Identifiers: Orphanet 140162, MedGen C0027672, MeSH D009386, MONDO:0015356.

Submissions (2):

Ambry Genetics
Classification: Pathogenic for Hereditary cancer-predisposing syndrome. Last evaluated: 2022-06-02. Review status: criteria provided, single submitter. Criteria: Ambry Variant Classification Scheme 2023. Collection method: clinical testing. Allele origin: germline.
Comment: The c.3150delC pathogenic mutation, located in coding exon 18 of the PTCH1 gene, results from a deletion of one nucleotide at nucleotide position 3150, causing a translational frameshift with a predicted alternate stop codon (p.W1051Gfs*7). This alteration was previously reported in a cohort of patients with PTCH1 gene mutations (Reinders MG et al. Mol Genet Genomic Med. 2018 05;6:409-415). In addition to the clinical data presented in the literature, this alteration is expected to result in loss of function by premature protein truncation or nonsense-mediated mRNA decay. As such, this alteration is interpreted as a disease-causing mutation.

Labcorp Genetics (formerly Invitae), Labcorp
Classification: Pathogenic for Gorlin syndrome. Last evaluated: 2022-05-21. Review status: criteria provided, single submitter. Criteria: Invitae Variant Classification Sherloc (09022015). Collection method: clinical testing. Allele origin: germline.
Comment: For these reasons, this variant has been classified as Pathogenic. ClinVar contains an entry for this variant (Variation ID: 822998). This variant has not been reported in the literature in individuals affected with PTCH1-related conditions. This variant is not present in population databases (gnomAD no frequency). This sequence change creates a premature translational stop signal (p.Trp1051Glyfs*7) in the PTCH1 gene. It is expected to result in an absent or disrupted protein product. Loss-of-function variants in PTCH1 are known to be pathogenic (PMID: 16301862, 16419085).

Literature cited by the submitters: PubMed 29575684 (cited by Ambry Genetics); PubMed 16301862 (cited by Labcorp Genetics (formerly Invitae), Labcorp); PubMed 16419085 (cited by Labcorp Genetics (formerly Invitae), Labcorp).

NM_000264.5(PTCH1):c.3150del (p.Trp1051fs)

Gene: PTCH1 (patched 1; minus strand). Cytogenetic location: 9q22.32.
Variant type: Deletion.
Coding change: c.3150del on transcript NM_000264.5 (MANE Select); coding-DNA position 3150, one base deleted (C; older notation c.3150delC).
Protein change: p.Trp1051fs; shifts the reading frame from tryptophan 1051.
Molecular consequence: frameshift variant. On other transcripts: non-coding transcript variant (1).
Genome position (GRCh38, 1-based): chr9:95,458,031, G deleted on the plus strand (C on the coding strand, the reverse complement: PTCH1 is on the minus strand); the first of 4 consecutive G bases (chr9:95,458,031-95,458,034); deleting any one gives the same sequence. VCF-style (leftmost placement, unchanged base first): chr9-95458030-AG-A. GRCh37 (hg19) VCF-style: chr9-98220312-AG-A.
Other names: c.2952del, p.Trp985fs (NM_001083602.3); c.3147del, p.Trp1050fs (NM_001083603.3); c.2697del, p.Trp900fs (NM_001083604.3, NM_001083605.3, NM_001083606.3 and 1 more transcripts); c.2994del, p.Trp999fs (NM_001354918.2); short protein forms W1050fs, W1051fs, W985fs, W900fs, W999fs.
Identifiers: ClinVar variation 822998 (VCV000822998.9), dbSNP rs1588539623, ClinGen allele CA915947093.
Genomic context (GRCh38, chr9:95,458,030, plus strand): 5'-GAAAGGAATTTGACTTCCACAAAGCCCCTTATAATACACTCACAATGATCCCGGCCGTCC[AG>A]GGGTTCAGAAGGAAGACAGCGCACACGAGGAATGTGCAGGCCAACACCACGCTGATGAAC-3'